The following is an entry in ClinVar:

ClinVar aggregate classification (germline): Uncertain significance (1 of 4 stars; one submission).

Conditions:
Kabuki syndrome. Also called: Kabuki make-up syndrome; NIIKAWA-KUROKI SYNDROME. Identifiers: Orphanet 2322, MedGen C0796004, MONDO:0016512.

gnomAD v4.1: 1 of 1,605,948 alleles (0.000062%); no homozygotes.

Submission:

Labcorp Genetics (formerly Invitae), Labcorp
Classification: Uncertain significance for Kabuki syndrome. Last evaluated: 2022-08-16. Review status: criteria provided, single submitter. Criteria: Invitae Variant Classification Sherloc (09022015). Collection method: clinical testing. Allele origin: germline.
Comment: Advanced modeling of protein sequence and biophysical properties (such as structural, functional, and spatial information, amino acid conservation, physicochemical variation, residue mobility, and thermodynamic stability) performed at Invitae indicates that this missense variant is not expected to disrupt KMT2D protein function. In summary, the available evidence is currently insufficient to determine the role of this variant in disease. Therefore, it has been classified as a Variant of Uncertain Significance. This variant has not been reported in the literature in individuals affected with KMT2D-related conditions. This sequence change replaces methionine, which is neutral and non-polar, with isoleucine, which is neutral and non-polar, at codon 3389 of the KMT2D protein (p.Met3389Ile). This variant is not present in population databases (gnomAD no frequency).

NM_003482.4(KMT2D):c.10167G>T (p.Met3389Ile)

Gene: KMT2D (lysine methyltransferase 2D; minus strand). Cytogenetic location: 12q13.12.
Variant type: single nucleotide variant.
Coding change: c.10167G>T on transcript NM_003482.4 (MANE Select); coding-DNA position 10167, G replaced by T.
Protein change: p.Met3389Ile; replaces methionine 3389 with isoleucine.
Molecular consequence: missense variant.
Genome position (GRCh38, 1-based): chr12:49,037,189, C>A on the plus strand (G>T on the coding strand, the complement: KMT2D is on the minus strand). VCF-style: chr12-49037189-C-A. GRCh37 (hg19) VCF-style: chr12-49430972-C-A.
Other names: short protein forms M3389I.
Identifiers: ClinVar variation 1955400 (VCV001955400.5), dbSNP rs755482753, ClinGen allele CA384731942.
Genomic context (GRCh38, chr12:49,037,189, plus strand): 5'-ATCTGGGAAGAAGCTGTTTGCCAGCTGCTGCTGCATTGCCAATTGCTGCGGCTTCATGCA[C>A]ATGGAAGGTGGCATGGTGCCCATGGGCTTCTGTGATAGCACTGGCTGTGAGCTCTGCTGG-3'
Protein context (NP_003473.3, residues 3379-3399): QKPMGTMPPS[Met3389Ile]CMKPQQLAMQ